The following is an entry in ClinVar:

NM_000169.3(GLA):c.961C>A (p.Gln321Lys)

Genes: GLA (galactosidase alpha; minus strand), RPL36A-HNRNPH2 (RPL36A-HNRNPH2 readthrough; plus strand). Cytogenetic location: Xq22.1.
Variant type: single nucleotide variant.
Coding change: c.961C>A on transcript NM_000169.3 (MANE Select); coding-DNA position 961, C replaced by A.
Protein change: p.Gln321Lys; replaces glutamine 321 with lysine.
Molecular consequence: missense variant. On other transcripts: non-coding transcript variant (3), intron variant (2).
Genome position (GRCh38, 1-based): chrX:101,398,408, G>T on the plus strand (C>A on the coding strand, the complement: GLA is on the minus strand). VCF-style: chrX-101398408-G-T. GRCh37 (hg19) VCF-style: chrX-100653396-G-T.
Other names: c.1084C>A, p.Gln362Lys (NM_001406747.1); c.961C>A, p.Gln321Lys (NM_001406748.1); c.300+2951G>T (NM_001199973.2); c.177+6586G>T (NM_001199974.2); short protein forms Q321K, Q362K.
Identifiers: ClinVar variation 4974831 (VCV004974831.1).

ClinVar aggregate classification (germline): Uncertain significance (1 of 4 stars; one submission).

Conditions:
Fabry disease. Also called: Fabry's disease; ALPHA-GALACTOSIDASE A DEFICIENCY; ANDERSON-FABRY DISEASE; CERAMIDE TRIHEXOSIDASE DEFICIENCY; GLA DEFICIENCY; HEREDITARY DYSTOPIC LIPIDOSIS. Identifiers: Orphanet 324, MedGen C0002986, MONDO:0010526, OMIM 301500, HP:0001071. Disease mechanism: Fabry disease is due to inactivating mutations in the X-linked GLA gene resulting in deficiency of the enzyme Alpha Galactosidase-A., loss of function.

Submission:

Genomenon, Inc
Classification: Uncertain significance for Fabry disease. Last evaluated: 2026-09-08. Review status: criteria provided, single submitter. Criteria: Genomenon Sequence Variant Interpretation Standards - Updated. Collection method: curation. Allele origin: germline. Affected: no.
Comment: GLA p.Gln321Lys (c.961C>A) is a missense variant that changes the amino acid at codon 321 from Glutamine to Lysine. This variant has been reported in the published literature (PMID:31613176). The presence of pathogenic/likely pathogenic missense variant(s) at the same amino acid position indicates that this residue is likely important for protein function. It is absent or not present at a significant frequency in gnomAD. In silico models predict that this variant is possibly or probably damaging. In conclusion, we classify GLA p.Gln321Lys (c.961C>A) as a variant of uncertain significance.

Literature cited by the submitters: PubMed 31613176.